The following is an entry in ClinVar:

ClinVar aggregate classification (germline): Uncertain significance (1 of 4 stars; one submission).

Submission:

GeneDx
Classification: Uncertain significance. Last evaluated: 2022-12-02. Review status: criteria provided, single submitter. Criteria: GeneDx Variant Classification Process June 2021. Collection method: clinical testing. Allele origin: germline. Affected: yes.
Comment: Not observed at significant frequency in large population cohorts (gnomAD); In silico analysis supports that this missense variant does not alter protein structure/function; Has not been previously published as pathogenic or benign to our knowledge

NM_001904.4(CTNNB1):c.2248G>C (p.Val750Leu)

Gene: CTNNB1 (catenin beta 1; plus strand). Cytogenetic location: 3p22.1.
Variant type: single nucleotide variant.
Coding change: c.2248G>C on transcript NM_001904.4 (MANE Select); coding-DNA position 2248, G replaced by C.
Protein change: p.Val750Leu; replaces valine 750 with leucine.
Molecular consequence: missense variant.
Genome position (GRCh38, 1-based): chr3:41,239,244, G>C. VCF-style: chr3-41239244-G-C. GRCh37 (hg19) VCF-style: chr3-41280735-G-C.
Other names: c.2248G>C, p.Val750Leu (NM_001098209.2, NM_001098210.2); c.2227G>C, p.Val743Leu (NM_001330729.2); short protein forms V743L, V750L.
Identifiers: ClinVar variation 2504215 (VCV002504215.1), dbSNP rs2125653656, ClinGen allele CA352237496.